The following is an entry in ClinVar:

ClinVar aggregate classification (germline): Likely benign. Review status: criteria provided, multiple submitters, no conflicts (2 of 4 stars). 2 submissions from 2 submitters: Likely benign (2). Last evaluated 2025-10-29.

gnomAD v4.1: 4 of 1,614,122 alleles (0.00025%); highest among the groups gnomAD compares: Admixed American, 0.0067%; no homozygotes.

Submissions (2):

Labcorp Genetics (formerly Invitae), Labcorp
Classification: Likely benign. Last evaluated: 2025-10-29. Review status: criteria provided, single submitter. Criteria: Invitae Variant Classification Sherloc (09022015). Collection method: clinical testing. Allele origin: germline.

CeGaT Center for Human Genetics Tuebingen
Classification: Likely benign. Last evaluated: 2025-05-01. Review status: criteria provided, single submitter. Criteria: CeGaT Center For Human Genetics Tuebingen Variant Classification Criteria Version 2. Collection method: clinical testing. Allele origin: germline. Affected: yes. Observed: 1 variant allele.
Comment: REL: BP4, BP7

NM_001291746.2(REL):c.792G>A (p.Arg264=)

Gene: REL (REL proto-oncogene, NF-kB subunit; plus strand). Cytogenetic location: 2p16.1.
Variant type: single nucleotide variant.
Coding change: c.792G>A on transcript NM_001291746.2 (MANE Select); coding-DNA position 792, G replaced by A.
Protein change: p.Arg264=; no amino-acid change (arginine 264 retained).
Molecular consequence: synonymous variant.
Genome position (GRCh38, 1-based): chr2:60,918,545, G>A. VCF-style: chr2-60918545-G-A. GRCh37 (hg19) VCF-style: chr2-61145680-G-A.
Other names: c.792G>A, p.Arg264= (NM_002908.4).
Identifiers: ClinVar variation 3698716 (VCV003698716.12).
Genomic context (GRCh38, chr2:60,918,545, plus strand): 5'-CAAAACTCCACCATATTGCAAAGCTATCACAGAACCCGTAACAGTAAAAATGCAGTTGCG[G>A]AGACCTTCTGACCAGGAAGTTAGTGAATCTATGGATTTTAGATATCTGCCAGATGAAAAA-3'
Protein context (NP_001278675.1, residues 254-274): TEPVTVKMQL[Arg264=]RPSDQEVSES